The following is an entry in ClinVar:

ClinVar aggregate classification (germline): Uncertain significance (1 of 4 stars; one submission).

Allele frequency attached by ClinVar (database versions not stated): gnomAD exomes below 0.00001; ExAC 0.00002.

Submission:

Labcorp Genetics (formerly Invitae), Labcorp
Classification: Uncertain significance. Last evaluated: 2025-04-13. Review status: criteria provided, single submitter. Criteria: Invitae Variant Classification Sherloc (09022015). Collection method: clinical testing. Allele origin: germline.
Comment: This sequence change replaces glutamine, which is neutral and polar, with arginine, which is basic and polar, at codon 627 of the SCN3A protein (p.Gln627Arg). This variant is present in population databases (rs749744297, gnomAD 0.008%). This variant has not been reported in the literature in individuals affected with SCN3A-related conditions. ClinVar contains an entry for this variant (Variation ID: 1943667). Invitae Evidence Modeling of protein sequence and biophysical properties (such as structural, functional, and spatial information, amino acid conservation, physicochemical variation, residue mobility, and thermodynamic stability) indicates that this missense variant is not expected to disrupt SCN3A protein function with a negative predictive value of 80%. In summary, the available evidence is currently insufficient to determine the role of this variant in disease. Therefore, it has been classified as a Variant of Uncertain Significance.

NM_006922.4(SCN3A):c.1880A>G (p.Gln627Arg)

Gene: SCN3A (sodium voltage-gated channel alpha subunit 3; minus strand). Cytogenetic location: 2q24.3.
Variant type: single nucleotide variant.
Coding change: c.1880A>G on transcript NM_006922.4 (MANE Select); coding-DNA position 1880, A replaced by G.
Protein change: p.Gln627Arg; replaces glutamine 627 with arginine.
Molecular consequence: missense variant. On other transcripts: intron variant (2).
Genome position (GRCh38, 1-based): chr2:165,140,790, T>C on the plus strand (A>G on the coding strand, the complement: SCN3A is on the minus strand). VCF-style: chr2-165140790-T-C. GRCh37 (hg19) VCF-style: chr2-165997300-T-C.
Other names: c.1872+8A>G (NM_001081676.2, NM_001081677.2); short protein forms Q627R.
Identifiers: ClinVar variation 1943667 (VCV001943667.5), dbSNP rs749744297, ClinGen allele CA1939068.